The following is an entry in ClinVar:

ClinVar aggregate classification (germline): Uncertain significance (1 of 4 stars; one submission).

Allele frequency attached by ClinVar (database versions not stated): gnomAD 0.00001; TOPMed 0.00001; 1000 Genomes Project 30x 0.00016; 1000 Genomes Project 0.00020.
gnomAD v4.1: 3 of 1,606,812 alleles (0.00019%); highest among the groups gnomAD compares: African/African-American, 0.0027%; no homozygotes.

Submission:

Labcorp Genetics (formerly Invitae), Labcorp
Classification: Uncertain significance. Last evaluated: 2024-01-19. Review status: criteria provided, single submitter. Criteria: Invitae Variant Classification Sherloc (09022015). Collection method: clinical testing. Allele origin: germline.
Comment: This sequence change replaces proline, which is neutral and non-polar, with serine, which is neutral and polar, at codon 212 of the PPA2 protein (p.Pro212Ser). This variant is present in population databases (rs537737764, gnomAD 0.01%). This variant has not been reported in the literature in individuals affected with PPA2-related conditions. ClinVar contains an entry for this variant (Variation ID: 2053837). Advanced modeling of protein sequence and biophysical properties (such as structural, functional, and spatial information, amino acid conservation, physicochemical variation, residue mobility, and thermodynamic stability) performed at Invitae indicates that this missense variant is not expected to disrupt PPA2 protein function with a negative predictive value of 80%. In summary, the available evidence is currently insufficient to determine the role of this variant in disease. Therefore, it has been classified as a Variant of Uncertain Significance.

NM_176869.3(PPA2):c.634C>T (p.Pro212Ser)

Gene: PPA2 (inorganic pyrophosphatase 2; minus strand). Cytogenetic location: 4q24.
Variant type: single nucleotide variant.
Coding change: c.634C>T on transcript NM_176869.3 (MANE Select); coding-DNA position 634, C replaced by T.
Protein change: p.Pro212Ser; replaces proline 212 with serine.
Molecular consequence: missense variant. On other transcripts: intron variant (1).
Genome position (GRCh38, 1-based): chr4:105,424,217, G>A on the plus strand (C>T on the coding strand, the complement: PPA2 is on the minus strand). VCF-style: chr4-105424217-G-A. GRCh37 (hg19) VCF-style: chr4-106345374-G-A.
Other names: c.547C>T, p.Pro183Ser (NM_006903.4); c.328C>T, p.Pro110Ser (NM_176866.2); c.158-25053C>T (NM_176867.3); short protein forms P110S, P183S, P212S.
Identifiers: ClinVar variation 2053837 (VCV002053837.2), dbSNP rs537737764, ClinGen allele CA3032477.
Genomic context (GRCh38, chr4:105,424,217, plus strand): 5'-ACTAATTTGCTTTCACTTTCTGGAAAGTAACAGTCTTACCATGAAACTTTGAGGCTTCAG[G>A]ATCATTCGCATTGATAGCAATTAATTTCCAATCTGTTTCACCTTCATCAATAAGAGCCAA-3'
Protein context (NP_789845.1, residues 202-222): WKLIAINAND[Pro212Ser]EASKFHDIDD